The following is an entry in ClinVar:

ClinVar aggregate classification (germline): Likely pathogenic (1 of 4 stars; one submission).

Conditions:
Hyper-IgM syndrome type 1. Also called: CD40 Ligand Deficiency; X-linked hyper-IgM syndrome; Immunodeficiency, X-linked, with hyper-IgM; Hyper-IgM Immunodeficiency Syndrome, Type 1. Identifiers: Orphanet 101088, MedGen C0398689, MONDO:0010626, OMIM 308230.

Submissions (3):

Labcorp Genetics (formerly Invitae), Labcorp
Classification: Likely pathogenic for Hyper-IgM syndrome type 1. Last evaluated: 2022-09-13. Review status: criteria provided, single submitter. Criteria: Invitae Variant Classification Sherloc (09022015). Collection method: clinical testing. Allele origin: germline.
Comment: This sequence change replaces glycine, which is neutral and non-polar, with cysteine, which is neutral and slightly polar, at codon 116 of the CD40LG protein (p.Gly116Cys). This variant also falls at the last nucleotide of exon 3, which is part of the consensus splice site for this exon. This variant is not present in population databases (gnomAD no frequency). This missense change has been observed in individual(s) with clinical features of hyper IgM syndrome (Invitae). ClinVar contains an entry for this variant (Variation ID: 1068228). Algorithms developed to predict the effect of missense changes on protein structure and function are either unavailable or do not agree on the potential impact of this missense change (SIFT: "Deleterious"; PolyPhen-2: "Probably Damaging"; Align-GVGD: "Class C15"). Variants that disrupt the consensus splice site are a relatively common cause of aberrant splicing (PMID: 17576681, 9536098). Algorithms developed to predict the effect of sequence changes on RNA splicing suggest that this variant may disrupt the consensus splice site. This variant disrupts the c.346G nucleotide in the CD40LG gene. Other variant(s) that disrupt this nucleotide have been determined to be pathogenic (PMID: 9746782, 15358621, 26545377). This suggests that this nucleotide is clinically significant, and that variants that disrupt this position are likely to be disease-causing. In summary, the currently available evidence indicates that the variant is pathogenic, but additional data are needed to prove that conclusively. Therefore, this variant has been classified as Likely Pathogenic.

Dr. Peter K. Rogan Lab, Western University
No classification provided (evidence only). Condition: Nonpapillary renal cell carcinoma. Review status: no classification provided. Collection method: in vitro. Allele origin: not applicable. Functional consequence: retained intron. Not counted in ClinVar's aggregate classification.

Dr. Peter K. Rogan Lab, Western University
No classification provided (evidence only). Condition: Nonpapillary renal cell carcinoma. Review status: no classification provided. Collection method: in vitro. Allele origin: not applicable. Functional consequence: retained intron. Not counted in ClinVar's aggregate classification.

Literature cited by the submitters: PubMed 17576681 (cited by Labcorp Genetics (formerly Invitae), Labcorp); PubMed 9536098 (cited by Labcorp Genetics (formerly Invitae), Labcorp); PubMed 9746782 (cited by Labcorp Genetics (formerly Invitae), Labcorp); PubMed 15358621 (cited by Labcorp Genetics (formerly Invitae), Labcorp); PubMed 26545377 (cited by Labcorp Genetics (formerly Invitae), Labcorp).

NM_000074.3(CD40LG):c.346G>T (p.Gly116Cys)

Gene: CD40LG (CD40 ligand; plus strand). Cytogenetic location: Xq26.3.
Variant type: single nucleotide variant.
Coding change: c.346G>T on transcript NM_000074.3 (MANE Select); coding-DNA position 346, G replaced by T.
Protein change: p.Gly116Cys; replaces glycine 116 with cysteine.
Molecular consequence: missense variant.
Genome position (GRCh38, 1-based): chrX:136,654,430, G>T. VCF-style: chrX-136654430-G-T. GRCh37 (hg19) VCF-style: chrX-135736589-G-T.
Other names: short protein forms G116C.
Identifiers: ClinVar variation 1068228 (VCV001068228.10), dbSNP rs2148552406, ClinGen allele CA414754901.